The following is an entry in ClinVar:

ClinVar aggregate classification (germline): Likely benign. Review status: criteria provided, single submitter (1 of 4 stars). 2 submissions from 2 submitters: Likely benign (1). 1 of the submissions does not count toward it. Last evaluated 2023-03-01.

Conditions:
DNAH17-related disorder. Also called: DNAH17-related condition.

Allele frequency attached by ClinVar (database versions not stated): gnomAD exomes 0.00012; ExAC 0.00058; ESP Exome Variant Server 0.00138; gnomAD 0.00143; TOPMed 0.00155; 1000 Genomes Project 30x 0.00172; 1000 Genomes Project 0.00180.
gnomAD v4.1: 411 of 1,610,502 alleles (0.026%); highest among the groups gnomAD compares: African/African-American, 0.48%; 1 homozygote.

Submissions (2):

CeGaT Center for Human Genetics Tuebingen
Classification: Likely benign. Last evaluated: 2023-03-01. Review status: criteria provided, single submitter. Criteria: CeGaT Center For Human Genetics Tuebingen Variant Classification Criteria Version 2. Collection method: clinical testing. Allele origin: germline. Affected: yes. Observed: 1 variant allele.
Comment: DNAH17: BP4, BP7

PreventionGenetics, part of Exact Sciences
Classification: Likely benign for DNAH17-related condition. Last evaluated: 2019-11-25. Review status: no assertion criteria provided. Collection method: clinical testing. Allele origin: germline. Not counted in ClinVar's aggregate classification.
Comment: This variant is classified as likely benign based on ACMG/AMP sequence variant interpretation guidelines (Richards et al. 2015 PMID: 25741868, with internal and published modifications).

NM_173628.4(DNAH17):c.945G>A (p.Leu315=)

Gene: DNAH17 (dynein axonemal heavy chain 17; minus strand). Cytogenetic location: 17q25.3.
Variant type: single nucleotide variant.
Coding change: c.945G>A on transcript NM_173628.4 (MANE Select); coding-DNA position 945, G replaced by A.
Protein change: p.Leu315=; no amino-acid change (leucine 315 retained).
Molecular consequence: synonymous variant.
Genome position (GRCh38, 1-based): chr17:78,570,346, C>T on the plus strand (G>A on the coding strand, the complement: DNAH17 is on the minus strand). VCF-style: chr17-78570346-C-T. GRCh37 (hg19) VCF-style: chr17-76566428-C-T.
Other names: c.945G>A (NM_173628.3).
Identifiers: ClinVar variation 2648379 (VCV002648379.25), dbSNP rs139735252, ClinGen allele CA8805389.
Genomic context (GRCh38, chr17:78,570,346, plus strand): 5'-GATGATCCTGGCAGGTGTGTTATAGTACTCAGAGGTGGCCCAGATGAAGCAGATGGTGTC[C>T]AGCACCTTGGCAATGAAGGTGGGGAGCTGGGGGGAGACAGGCCCAGGCACACTGGAGGGG-3'
Protein context (NP_775899.3, residues 305-325): TMLPTFIAKV[Leu315=]DTICFIWATS